The following is an entry in ClinVar:

ClinVar aggregate classification (germline): Uncertain significance (1 of 4 stars; one submission).

Conditions:
Inborn genetic diseases. Identifiers: MedGen C0950123, MeSH D030342.

Allele frequency attached by ClinVar (database versions not stated): gnomAD exomes below 0.00001.
gnomAD v4.1: 2 of 1,614,098 alleles (0.00012%); highest among the groups gnomAD compares: African/African-American, 0.0013%; no homozygotes.

Submission:

Ambry Genetics
Classification: Uncertain significance for Inborn genetic diseases. Last evaluated: 2021-09-18. Review status: criteria provided, single submitter. Criteria: Ambry Variant Classification Scheme 2023. Collection method: clinical testing. Allele origin: germline.
Comment: The p.A238T variant (also known as c.712G>A), located in coding exon 6 of the BUB1B gene, results from a G to A substitution at nucleotide position 712. The alanine at codon 238 is replaced by threonine, an amino acid with similar properties. This amino acid position is conserved. In addition, this alteration is predicted to be tolerated by in silico analysis. Since supporting evidence is limited at this time, the clinical significance of this alteration remains unclear.

NM_001211.6(BUB1B):c.712G>A (p.Ala238Thr)

Gene: BUB1B (BUB1 mitotic checkpoint serine/threonine kinase B; plus strand). Cytogenetic location: 15q15.1.
Variant type: single nucleotide variant.
Coding change: c.712G>A on transcript NM_001211.6 (MANE Select); coding-DNA position 712, G replaced by A.
Protein change: p.Ala238Thr; replaces alanine 238 with threonine.
Molecular consequence: missense variant.
Genome position (GRCh38, 1-based): chr15:40,183,844, G>A. VCF-style: chr15-40183844-G-A. GRCh37 (hg19) VCF-style: chr15-40476045-G-A.
Other names: short protein forms A238T.
Identifiers: ClinVar variation 1757306 (VCV001757306.2), dbSNP rs1440480264, ClinGen allele CA391683450.